The following is an entry in ClinVar:

NM_001374736.1(DST):c.11554C>T (p.Arg3852Cys)

Gene: DST (dystonin; minus strand). Cytogenetic location: 6p12.1.
Variant type: single nucleotide variant.
Coding change: c.11554C>T on transcript NM_001374736.1 (MANE Select); coding-DNA position 11554, C replaced by T.
Protein change: p.Arg3852Cys; replaces arginine 3852 with cysteine.
Molecular consequence: missense variant.
Genome position (GRCh38, 1-based): chr6:56,600,209, G>A on the plus strand (C>T on the coding strand, the complement: DST is on the minus strand). VCF-style: chr6-56600209-G-A. GRCh37 (hg19) VCF-style: chr6-56465007-G-A.
Other names: c.5197C>T, p.Arg1733Cys (NM_001144769.5); c.4783C>T, p.Arg1595Cys (NM_001144770.2); c.11554C>T, p.Arg3852Cys (NM_001374722.1); c.10921C>T, p.Arg3641Cys (NM_001374729.1); c.4663C>T, p.Arg1555Cys (NM_001374730.1, NM_001386100.1, NM_183380.4); c.11581C>T, p.Arg3861Cys (NM_001374734.1); c.3685C>T, p.Arg1229Cys (NM_015548.5); short protein forms R1555C, R1733C, R1229C, R3641C, R3852C, R3861C, R1595C.
Identifiers: ClinVar variation 2926886 (VCV002926886.3), dbSNP rs761430797, ClinGen allele CA3868631.

ClinVar aggregate classification (germline): Uncertain significance (1 of 4 stars; one submission).

Conditions:
Hereditary sensory and autonomic neuropathy type 6. Also called: HSAN VI; Neuropathy, hereditary sensory and autonomic, type VI. Identifiers: Orphanet 314381, MedGen C3539003, MONDO:0013839, OMIM 614653.
Epidermolysis bullosa simplex 3, localized or generalized intermediate, with BP230 deficiency (EBS3). Also called: Epidermolysis bullosa simplex, autosomal recessive 2; Epidermolysis bullosa simplex due to BP230 deficiency. Identifiers: Orphanet 412181, MedGen C3809470, MONDO:0014180, OMIM 615425.

gnomAD v4.1: 15 of 1,611,640 alleles (0.00093%); highest among the groups gnomAD compares: Admixed American, 0.0017%; no homozygotes.

Submission:

Labcorp Genetics (formerly Invitae), Labcorp
Classification: Uncertain significance for Epidermolysis bullosa simplex 3, localized or generalized intermediate, with BP230 deficiency; Hereditary sensory and autonomic neuropathy type 6. Last evaluated: 2024-11-04. Review status: criteria provided, single submitter. Criteria: Invitae Variant Classification Sherloc (09022015). Collection method: clinical testing. Allele origin: germline.
Comment: The DST gene has multiple clinically relevant transcripts. This variant occurs in alternate transcript NM_015548.4, and corresponds to NM_001723.5:c.*15308C>T in the primary transcript. This sequence change replaces arginine, which is basic and polar, with cysteine, which is neutral and slightly polar, at codon 1229 of the DST protein (p.Arg1229Cys). The frequency data for this variant in the population databases is considered unreliable, as metrics indicate poor data quality at this position in the gnomAD database. This variant has not been reported in the literature in individuals affected with DST-related conditions. Experimental studies and prediction algorithms are not available or were not evaluated, and the functional significance of this variant is currently unknown. In summary, the available evidence is currently insufficient to determine the role of this variant in disease. Therefore, it has been classified as a Variant of Uncertain Significance.